The following is an entry in ClinVar:

ClinVar aggregate classification (germline): Uncertain significance (1 of 4 stars; one submission).

Allele frequency attached by ClinVar (database versions not stated): gnomAD exomes below 0.00001; TOPMed below 0.00001.
gnomAD v4.1: 2 of 1,614,116 alleles (0.00012%); highest among the groups gnomAD compares: Admixed American, 0.0033%; no homozygotes.

Submission:

Labcorp Genetics (formerly Invitae), Labcorp
Classification: Uncertain significance. Last evaluated: 2022-03-01. Review status: criteria provided, single submitter. Criteria: Invitae Variant Classification Sherloc (09022015). Collection method: clinical testing. Allele origin: germline.
Comment: Algorithms developed to predict the effect of missense changes on protein structure and function (SIFT, PolyPhen-2, Align-GVGD) all suggest that this variant is likely to be disruptive. In summary, the available evidence is currently insufficient to determine the role of this variant in disease. Therefore, it has been classified as a Variant of Uncertain Significance. This variant has not been reported in the literature in individuals affected with FLNB-related conditions. This variant is present in population databases (no rsID available, gnomAD 0.006%). This sequence change replaces glycine, which is neutral and non-polar, with arginine, which is basic and polar, at codon 1758 of the FLNB protein (p.Gly1758Arg).

NM_001457.4(FLNB):c.5272G>A (p.Gly1758Arg)

Gene: FLNB (filamin B; plus strand). Cytogenetic location: 3p14.3.
Variant type: single nucleotide variant.
Coding change: c.5272G>A on transcript NM_001457.4 (MANE Select); coding-DNA position 5272, G replaced by A.
Protein change: p.Gly1758Arg; replaces glycine 1758 with arginine.
Molecular consequence: missense variant.
Genome position (GRCh38, 1-based): chr3:58,142,740, G>A. VCF-style: chr3-58142740-G-A. GRCh37 (hg19) VCF-style: chr3-58128467-G-A.
Other names: c.5365G>A, p.Gly1789Arg (NM_001164317.2); c.5239G>A, p.Gly1747Arg (NM_001164318.2); c.5200G>A, p.Gly1734Arg (NM_001164319.2); short protein forms G1747R, G1789R, G1734R, G1758R.
Identifiers: ClinVar variation 2104930 (VCV002104930.4), dbSNP rs1454958032, ClinGen allele CA353353641.
Genomic context (GRCh38, chr3:58,142,740, plus strand): 5'-GACATGAACGGCCTGGGATTTAAGCCTTTTGACCTGGTCATTCCGTTTGCTGTCAGGAAA[G>A]GAGAAATCACTGGTAAGCACTTGCCATAAAGGCCGTCTCATTCTCACTTGCTCTCACGAG-3'
Protein context (NP_001448.2, residues 1748-1768): DLVIPFAVRK[Gly1758Arg]EITGEVHMPS